The following is an entry in ClinVar:

NM_004380.3(CREBBP):c.5707C>T (p.Pro1903Ser)

Gene: CREBBP (CREB binding lysine acetyltransferase; minus strand). Cytogenetic location: 16p13.3.
Variant type: single nucleotide variant.
Coding change: c.5707C>T on transcript NM_004380.3 (MANE Select); coding-DNA position 5707, C replaced by T.
Protein change: p.Pro1903Ser; replaces proline 1903 with serine.
Molecular consequence: missense variant.
Genome position (GRCh38, 1-based): chr16:3,729,340, G>A on the plus strand (C>T on the coding strand, the complement: CREBBP is on the minus strand). VCF-style: chr16-3729340-G-A. GRCh37 (hg19) VCF-style: chr16-3779341-G-A.
Other names: c.5593C>T, p.Pro1865Ser (NM_001079846.1); short protein forms P1865S, P1903S.
Identifiers: ClinVar variation 3077351 (VCV003077351.3), dbSNP rs1408844707, ClinGen allele CA394555701.

ClinVar aggregate classification (germline): Uncertain significance. Review status: criteria provided, multiple submitters, no conflicts (2 of 4 stars). 2 submissions from 2 submitters: Uncertain significance (2). Last evaluated 2024-10-28.

Conditions:
Rubinstein-Taybi syndrome (RSTS). Identifiers: Orphanet 783, MedGen C0035934, MONDO:0019188.
Inborn genetic diseases. Identifiers: MedGen C0950123, MeSH D030342.

Allele frequency attached by ClinVar (database versions not stated): TOPMed below 0.00001; gnomAD exomes 0.00001.
gnomAD v4.1: 8 of 1,589,796 alleles (0.0005%); highest among the groups gnomAD compares: Non-Finnish European, 0.00068%; no homozygotes.

Submissions (2):

Labcorp Genetics (formerly Invitae), Labcorp
Classification: Uncertain significance for Rubinstein-Taybi syndrome. Last evaluated: 2024-10-28. Review status: criteria provided, single submitter. Criteria: Invitae Variant Classification Sherloc (09022015). Collection method: clinical testing. Allele origin: germline.
Comment: This sequence change replaces proline, which is neutral and non-polar, with serine, which is neutral and polar, at codon 1903 of the CREBBP protein (p.Pro1903Ser). This variant is not present in population databases (gnomAD no frequency). This variant has not been reported in the literature in individuals affected with CREBBP-related conditions. Invitae Evidence Modeling of protein sequence and biophysical properties (such as structural, functional, and spatial information, amino acid conservation, physicochemical variation, residue mobility, and thermodynamic stability) indicates that this missense variant is not expected to disrupt CREBBP protein function with a negative predictive value of 95%. In summary, the available evidence is currently insufficient to determine the role of this variant in disease. Therefore, it has been classified as a Variant of Uncertain Significance.

Ambry Genetics
Classification: Uncertain significance for Inborn genetic diseases. Last evaluated: 2023-09-25. Review status: criteria provided, single submitter. Criteria: Ambry Variant Classification Scheme 2023. Collection method: clinical testing. Allele origin: germline.